The following is an entry in ClinVar:

ClinVar aggregate classification (germline): Uncertain significance (1 of 4 stars; one submission).

Submission:

GeneDx
Classification: Uncertain significance. Last evaluated: 2025-04-03. Review status: criteria provided, single submitter. Criteria: GeneDx Variant Classification Process June 2021. Collection method: clinical testing. Allele origin: germline. Affected: yes.
Comment: Not observed at significant frequency in large population cohorts (gnomAD); In silico analysis indicates that this missense variant does not alter protein structure/function; Has not been previously published as pathogenic or benign to our knowledge

NM_030632.3(ASXL3):c.5216G>C (p.Arg1739Pro)

Gene: ASXL3 (ASXL transcriptional regulator 3; plus strand). Cytogenetic location: 18q12.1.
Variant type: single nucleotide variant.
Coding change: c.5216G>C on transcript NM_030632.3 (MANE Select); coding-DNA position 5216, G replaced by C.
Protein change: p.Arg1739Pro; replaces arginine 1739 with proline.
Molecular consequence: missense variant.
Genome position (GRCh38, 1-based): chr18:33,745,064, G>C. VCF-style: chr18-33745064-G-C. GRCh37 (hg19) VCF-style: chr18-31325028-G-C.
Other names: short protein forms R1739P.
Identifiers: ClinVar variation 4281771 (VCV004281771.1).